The following is an entry in ClinVar:

ClinVar aggregate classification (germline): Uncertain significance (1 of 4 stars; one submission).

Conditions:
Congenital myasthenic syndrome 5. Identifiers: Orphanet 590, MedGen C1864233, MONDO:0011281, OMIM 603034.

Submission:

Labcorp Genetics (formerly Invitae), Labcorp
Classification: Uncertain significance for Endplate acetylcholinesterase deficiency. Last evaluated: 2019-12-02. Review status: criteria provided, single submitter. Criteria: Invitae Variant Classification Sherloc (09022015). Collection method: clinical testing. Allele origin: germline.
Comment: This sequence change replaces arginine with glycine at codon 341 of the COLQ protein (p.Arg341Gly). The arginine residue is moderately conserved and there is a moderate physicochemical difference between arginine and glycine. This variant is not present in population databases (ExAC no frequency). This variant has been observed in individual(s) with congenital myasthenic syndrome (PMID: 18180250). Algorithms developed to predict the effect of missense changes on protein structure and function are either unavailable or do not agree on the potential impact of this missense change (SIFT: "Deleterious"; PolyPhen-2: "Not Available"; Align-GVGD: "Class C0"). In summary, the available evidence is currently insufficient to determine the role of this variant in disease. Therefore, it has been classified as a Variant of Uncertain Significance.

Literature cited by the submitters: PubMed 18180250.

NM_005677.4(COLQ):c.1021A>G (p.Arg341Gly)

Gene: COLQ (collagen like tail subunit of asymmetric acetylcholinesterase; minus strand). Cytogenetic location: 3p25.1.
Variant type: single nucleotide variant.
Coding change: c.1021A>G on transcript NM_005677.4 (MANE Select); coding-DNA position 1021, A replaced by G.
Protein change: p.Arg341Gly; replaces arginine 341 with glycine.
Molecular consequence: missense variant.
Genome position (GRCh38, 1-based): chr3:15,456,513, T>C on the plus strand (A>G on the coding strand, the complement: COLQ is on the minus strand). VCF-style: chr3-15456513-T-C. GRCh37 (hg19) VCF-style: chr3-15498020-T-C.
Other names: c.991A>G, p.Arg331Gly (NM_080538.2); c.919A>G, p.Arg307Gly (NM_080539.4); short protein forms R331G, R341G, R307G.
Identifiers: ClinVar variation 840680 (VCV000840680.1), dbSNP rs2062027221, ClinGen allele CA351596869.